The following is an entry in ClinVar:

NM_000718.4(CACNA1B):c.6173G>A (p.Arg2058His)

Gene: CACNA1B (calcium voltage-gated channel subunit alpha1 B; plus strand). Cytogenetic location: 9q34.3.
Variant type: single nucleotide variant.
Coding change: c.6173G>A on transcript NM_000718.4 (MANE Select); coding-DNA position 6173, G replaced by A.
Protein change: p.Arg2058His; replaces arginine 2058 with histidine.
Molecular consequence: missense variant.
Genome position (GRCh38, 1-based): chr9:138,120,307, G>A. VCF-style: chr9-138120307-G-A. GRCh37 (hg19) VCF-style: chr9-141014759-G-A.
Other names: c.6173G>A (NM_000718.3); c.6173G>A, p.Arg2058His (NM_001243812.2); short protein forms R2058H.
Identifiers: ClinVar variation 1896851 (VCV001896851.10), dbSNP rs201114958, ClinGen allele CA5377634.

ClinVar aggregate classification (germline): Uncertain significance. Review status: criteria provided, multiple submitters, no conflicts (2 of 4 stars). 5 submissions from 5 submitters: Uncertain significance (5). Last evaluated 2026-03-06.

Conditions:
Neurodevelopmental disorder with seizures and nonepileptic hyperkinetic movements. Identifiers: MedGen C5193128, MONDO:0032784, OMIM 618497.

Allele frequency attached by ClinVar (database versions not stated): gnomAD 0.00005; gnomAD exomes 0.00009; ExAC 0.00024; TOPMed 0.00006.
gnomAD v4.1: 137 of 1,566,896 alleles (0.0087%); highest among the groups gnomAD compares: South Asian, 0.014%; no homozygotes.

Submissions (5):

GeneDx
Classification: Uncertain significance. Last evaluated: 2026-03-06. Review status: criteria provided, single submitter. Criteria: GeneDx Variant Classification Process June 2021. Collection method: clinical testing. Allele origin: germline.
Comment: In silico analysis suggests that this missense variant does not alter protein structure/function; Has not been previously published as pathogenic or benign to our knowledge

Ambry Genetics
Classification: Uncertain significance. Last evaluated: 2025-08-10. Review status: criteria provided, single submitter. Criteria: Ambry Variant Classification Scheme 2023. Collection method: clinical testing. Allele origin: germline.

Blueprint Genetics
Classification: Uncertain significance. Last evaluated: 2024-01-22. Review status: criteria provided, single submitter. Criteria: ACMG Guidelines, 2015. Collection method: clinical testing. Allele origin: germline.

Labcorp Genetics (formerly Invitae), Labcorp
Classification: Uncertain significance. Last evaluated: 2022-11-01. Review status: criteria provided, single submitter. Criteria: Invitae Variant Classification Sherloc (09022015). Collection method: clinical testing. Allele origin: germline.
Comment: This sequence change replaces arginine, which is basic and polar, with histidine, which is basic and polar, at codon 2058 of the CACNA1B protein (p.Arg2058His). This variant is present in population databases (rs201114958, gnomAD 0.02%). This variant has not been reported in the literature in individuals affected with CACNA1B-related conditions. Advanced modeling of protein sequence and biophysical properties (such as structural, functional, and spatial information, amino acid conservation, physicochemical variation, residue mobility, and thermodynamic stability) performed at Invitae indicates that this missense variant is not expected to disrupt CACNA1B protein function. In summary, the available evidence is currently insufficient to determine the role of this variant in disease. Therefore, it has been classified as a Variant of Uncertain Significance.

Revvity Omics, Revvity
Classification: Uncertain significance for Neurodevelopmental disorder with seizures and nonepileptic hyperkinetic movements. Last evaluated: 2022-10-05. Review status: criteria provided, single submitter. Criteria: ACMG Guidelines, 2015. Collection method: clinical testing. Allele origin: germline.